The following is an entry in ClinVar:

ClinVar aggregate classification (germline): Uncertain significance (1 of 4 stars; one submission).

Submission:

Labcorp Genetics (formerly Invitae), Labcorp
Classification: Uncertain significance. Last evaluated: 2023-06-22. Review status: criteria provided, single submitter. Criteria: Invitae Variant Classification Sherloc (09022015). Collection method: clinical testing. Allele origin: germline.
Comment: This sequence change affects an acceptor splice site in intron 5 of the DNA2 gene. It is expected to disrupt RNA splicing. Variants that disrupt the donor or acceptor splice site typically lead to a loss of protein function (PMID: 16199547), however the current clinical and genetic evidence is not sufficient to establish whether loss-of-function variants in DNA2 cause disease. This variant is not present in population databases (gnomAD no frequency). This variant has not been reported in the literature in individuals affected with DNA2-related conditions. Algorithms developed to predict the effect of sequence changes on RNA splicing suggest that this variant may disrupt the consensus splice site. In summary, the available evidence is currently insufficient to determine the role of this variant in disease. Therefore, it has been classified as a Variant of Uncertain Significance.

Literature cited by the submitters: PubMed 16199547.

NM_001080449.3(DNA2):c.720-2A>G

Gene: DNA2 (DNA replication helicase/nuclease 2; minus strand). Cytogenetic location: 10q21.3.
Variant type: single nucleotide variant.
Coding change: c.720-2A>G on transcript NM_001080449.3 (MANE Select); the canonical splice acceptor site of the intron before coding-DNA position 720, A replaced by G.
Molecular consequence: splice acceptor variant.
Genome position (GRCh38, 1-based): chr10:68,450,249, T>C on the plus strand (A>G on the coding strand, the complement: DNA2 is on the minus strand). VCF-style: chr10-68450249-T-C. GRCh37 (hg19) VCF-style: chr10-70210006-T-C.
Identifiers: ClinVar variation 2859843 (VCV002859843.3), dbSNP rs1341152186, ClinGen allele CA376864425.
Genomic context (GRCh38, chr10:68,450,249, plus strand): 5'-CCATTGGTTTCACGACTTCAATGTTACATGTTGAATTATCCTTACTATTATCACTTGGCC[T>C]GAAAAAAAAAAAAGCACAAAAACACTTAATTAGAACTCTTAGCTCATTTCACATCTGCTG-3'